The following is an entry in ClinVar:

NM_017654.4(SAMD9):c.1249A>G (p.Thr417Ala)

Gene: SAMD9 (sterile alpha motif domain containing 9; minus strand). Cytogenetic location: 7q21.2.
Variant type: single nucleotide variant.
Coding change: c.1249A>G on transcript NM_017654.4 (MANE Select); coding-DNA position 1249, A replaced by G.
Protein change: p.Thr417Ala; replaces threonine 417 with alanine.
Molecular consequence: missense variant.
Genome position (GRCh38, 1-based): chr7:93,104,849, T>C on the plus strand (A>G on the coding strand, the complement: SAMD9 is on the minus strand). VCF-style: chr7-93104849-T-C. GRCh37 (hg19) VCF-style: chr7-92734162-T-C.
Other names: c.1249A>G, p.Thr417Ala (NM_001193307.2); short protein forms T417A.
Identifiers: ClinVar variation 4824715 (VCV004824715.1).

ClinVar aggregate classification (germline): Uncertain significance (1 of 4 stars; one submission).

Conditions:
Inborn genetic diseases. Identifiers: MedGen C0950123, MeSH D030342.

Submission:

Ambry Genetics
Classification: Uncertain significance for Inborn genetic diseases. Last evaluated: 2026-02-21. Review status: criteria provided, single submitter. Criteria: Ambry Variant Classification Scheme 2023. Collection method: clinical testing. Allele origin: germline.
Comment: The p.T417A variant (also known as c.1249A>G), located in coding exon 1 of the SAMD9 gene, results from an A to G substitution at nucleotide position 1249. The threonine at codon 417 is replaced by alanine, an amino acid with similar properties. This amino acid position is conserved. In addition, this alteration is predicted to be tolerated by in silico analysis. Based on the available evidence, the clinical significance of this variant remains unclear.